The following is an entry in ClinVar:

ClinVar aggregate classification (germline): Pathogenic. Review status: reviewed by expert panel (3 of 4 stars). 73 submissions from 63 submitters: Pathogenic (1). 72 of the submissions do not count toward it. Last evaluated 2016-04-22.

Conditions:
Hereditary breast ovarian cancer syndrome. Also called: Hereditary breast and ovarian cancer; Breast and ovarian cancer; Hereditary breast and/or ovarian cancer syndrome; BRCA1- and BRCA2-Associated Hereditary Breast and Ovarian Cancer; Hereditary breast and ovarian cancer syndrome; Hereditary breast and ovarian cancer syndrome (HBOC). Identifiers: Orphanet 145, MedGen C0677776, MeSH D061325, MONDO:0003582. Disease mechanism: loss of function.
Fanconi anemia complementation group D1. Also called: BRCA2-Related Fanconi Anemia. Identifiers: Orphanet 319462, MedGen C1838457, MONDO:0011584, OMIM 605724.
Inherited breast cancer and ovarian cancer.
BRCA2-related cancer predisposition. Identifiers: MedGen CN377758, MONDO:0700269.
BRCA2-related disorder. Also called: BRCA2-related condition; BRCA2-related disorders. Identifiers: MedGen CN239275.
Familial prostate cancer. Also called: Hereditary Prostate Cancer. Identifiers: MedGen C2931456, MONDO:0700275, OMIM 176807.
Pancreatic cancer, susceptibility to, 2. Identifiers: Orphanet 1333, MedGen C3150546, MONDO:0013235, OMIM 613347.
Breast-ovarian cancer, familial, susceptibility to, 2 (BROVCA2). Also called: BRCA2 Hereditary Breast and Ovarian Cancer. Identifiers: Orphanet 145, MedGen C2675520, MONDO:0012933, OMIM 612555. Disease mechanism: loss of function.
Familial cancer of breast. Also called: Hereditary breast cancer; hereditary breast carcinoma; BREAST CANCER, FAMILIAL. Identifiers: Orphanet 227535, MedGen C0346153, MONDO:0016419, OMIM 114480. Disease mechanism: loss of function.
Uterine corpus cancer. Identifiers: MedGen CN277893, MONDO:0006003.
Gastric cancer. Also called: Stomach cancer; Malignant tumor of stomach. Identifiers: MedGen C0024623, MeSH D013274, MONDO:0001056, OMIM 613659, HP:0012126.
Glioma susceptibility 3 (GLM3). Also called: Glioblastoma 3. Identifiers: Orphanet 182067, Orphanet 360, MedGen C2751641, MONDO:0013093, OMIM 613029.
Medulloblastoma (MDB). Also called: Medulloblastoma, somatic; MEDULLOBLASTOMA PREDISPOSITION SYNDROME. Identifiers: Orphanet 616, MedGen C0025149, MeSH D008527, MONDO:0007959, OMIM 155255, HP:0002885.
Prostate cancer. Also called: Malignant tumor of prostate. Identifiers: Orphanet 1331, MedGen C0376358, MONDO:0008315, HP:0012125.
Wilms tumor 1 (WT1). Also called: Wilms tumor, somatic. Identifiers: Orphanet 654, MedGen CN033288, MONDO:0008679, OMIM 194070.
Breast and/or ovarian cancer. Identifiers: MedGen CN221562.
Hereditary cancer-predisposing syndrome. Also called: Neoplastic Syndromes, Hereditary; Tumor predisposition; Hereditary Cancer Syndrome; Hereditary neoplastic syndrome. Identifiers: Orphanet 140162, MedGen C0027672, MeSH D009386, MONDO:0015356.
Breast-ovarian cancer, familial, susceptibility to, 1 (BROVCA1). Also called: BRCA1 Hereditary Breast and Ovarian Cancer; OVARIAN CANCER, SUSCEPTIBILITY TO. Identifiers: Orphanet 145, MedGen C2676676, MONDO:0011450, OMIM 604370. Disease mechanism: loss of function.
Malignant tumor of breast. Also called: Cancer breast; Malignant breast neoplasm. Identifiers: MedGen C0006142, MONDO:0007254. Disease mechanism: loss of function.

Submissions 1 to 7 of 73:

Evidence-based Network for the Interpretation of Germline Mutant Alleles (ENIGMA)
Classification: Pathogenic for Breast-ovarian cancer, familial, susceptibility to, 2. Last evaluated: 2016-04-22. Review status: reviewed by expert panel. Criteria: ENIGMA BRCA1/2 Classification Criteria (2015). Collection method: curation. Allele origin: germline.
Comment: Variant allele predicted to encode a truncated non-functional protein.

Genetics Laboratory, Great Ormond Street Hospital NHS Foundation Trust, North Thames Genomic Laboratory Hub
Classification: Pathogenic for Inherited breast cancer and ovarian cancer. Last evaluated: 2026-07-23. Review status: criteria provided, single submitter. Criteria: CanVIG BRCA Gene Specific V1.22. Collection method: clinical testing. Allele origin: germline. Affected: yes. Not counted in ClinVar's aggregate classification.
Comment: PS4_supporting, PVS1_very-strong, PM5_strong, PM3_moderate

PreventionGenetics, part of Exact Sciences
Classification: Pathogenic for BRCA2-related condition. Last evaluated: 2026-05-11. Review status: criteria provided, single submitter. Criteria: ACMG Guidelines, 2015. Collection method: clinical testing. Allele origin: germline. Not counted in ClinVar's aggregate classification.
Comment: The BRCA2 c.658_659delGT variant is predicted to result in a frameshift and premature protein termination (p.Val220Ilefs*4). This variant is alternatively described as c.658delGT, c.886delGT or c.886_887delGT. This variant has been observed in individuals with personal and family histories of breast and/or ovarian cancer (Novakovic et al. 2012. PMID: 22923021; Berzina et al. 2013. PMID: 23767878; Tung et al. 2016. PMID: 26976419), Fanconi anemia (group D1), and other types of malignancies, including brain tumors (Offit et al. 2003. PMID: 14559878; Reid et al. 2005. PMID: 15689453; Alter et al. 2006, PMID: 16825431). This variant, in combination with another variant in the same or a different gene, has also been reported in individuals with multiple malignancies including colorectal cancer (Heidemann et al. 2012. PMID: 22535016; Degrolard-Courcet et al. 2014, PMID: 24301060). This variant is reported in 0.013% of alleles in individuals of African descent in gnomAD. In ClinVar, it has been classified as pathogenic (Variation ID: 9342). Frameshift variants in BRCA2 are expected to be pathogenic. This variant is interpreted as pathogenic.

Genomics and Molecular Medicine Service, East Genomic Laboratory Hub, NHS Genomic Medicine Service
Classification: Pathogenic for Inherited breast cancer and ovarian cancer. Last evaluated: 2026-05-06. Review status: criteria provided, single submitter. Criteria: ACGS Best Practice Guidelines for Variant Classification in Rare Disease 2020. Collection method: clinical testing. Allele origin: germline. Affected: yes. Not counted in ClinVar's aggregate classification.
Comment: PVS1,PS4_Very Strong,PM5_Strong

Labcorp Genetics (formerly Invitae), Labcorp
Classification: Pathogenic for Hereditary breast ovarian cancer syndrome. Last evaluated: 2026-02-02. Review status: criteria provided, single submitter. Criteria: Invitae Variant Classification Sherloc (09022015). Collection method: clinical testing. Allele origin: germline. Not counted in ClinVar's aggregate classification.
Comment: This sequence change creates a premature translational stop signal (p.Val220Ilefs*4) in the BRCA2 gene. It is expected to result in an absent or disrupted protein product. Loss-of-function variants in BRCA2 are known to be pathogenic (PMID: 20104584). This variant is present in population databases (rs768580992, gnomAD 0.01%). This premature translational stop signal has been observed in individual(s) with hereditary breast and ovarian cancer (PMID: 9667259, 22923021, 23767878, 24504028, 26657402). This variant is also known as 886delGT. ClinVar contains an entry for this variant (Variation ID: 9342). For these reasons, this variant has been classified as Pathogenic.

Otogenetics
Classification: Pathogenic for Familial cancer of breast; Breast-ovarian cancer, familial, susceptibility to, 2; Fanconi anemia complementation group D1; Pancreatic cancer, susceptibility to, 2; Familial prostate cancer. Last evaluated: 2025-10-13. Review status: criteria provided, single submitter. Criteria: ACMG Guidelines, 2015. Collection method: clinical testing. Allele origin: germline. Not counted in ClinVar's aggregate classification.
Comment: PVS1: Frameshift indel introduces premature stop codon in gene with loss of function as mechanism of disease, predicted to undergo NMD; PM2_supporting: Maximum gnomAD MAF of 0.0126% in African (AFR) subpopulation (<0.05% threshold); PM3_Strong: Variant reported in trans with over three other pathogenic variants in five patients affected with Fanconi anemia subtype D1 (PMID: 16825431, 26657402)

Ambry Genetics
Classification: Pathogenic for Hereditary cancer-predisposing syndrome. Last evaluated: 2025-09-26. Review status: criteria provided, single submitter. Criteria: Ambry Variant Classification Scheme 2023. Collection method: clinical testing. Allele origin: germline. Not counted in ClinVar's aggregate classification.
Comment: The c.658_659delGT (p.V220Ifs*4) alteration, located in exon 8 (coding exon 7) of the BRCA2 gene, consists of a deletion of 2 nucleotides from position 658 to 659, causing a translational frameshift with a predicted alternate stop codon after amino acids. This alteration is expected to result in loss of function by premature protein truncation or nonsense-mediated mRNA decay. for BRCA2-related cancer predisposition; however, because this variant is identified in one or more patients with Fanconi Anemia it may be hypomorphic and thus, carriers of this variant and their families may present with reduced risks, and not with the typical clinical characteristics of a high-risk pathogenic BRCA2 alteration. As risk estimates are unknown at this time, clinical correlation is advised. Based on data from gnomAD, this allele has an overall frequency of 0.005% (13/276414) total alleles studied. The highest observed frequency was 0.013% (3/23770) of African alleles. This variant has been described in numerous HBOC families (Frank, 1998; Berzina, 2013; Meisel, 2017). This variant has also been observed in Fanconi anemia group D1 patients and was associated with brain tumors (medulloblastomas and glioblastomas) and Wilms tumor in these patients (Alter, 2007; Miele, 2015). Of note, this alteration is also designated as 886delGT in some published literature. Based on the available evidence, this alteration is classified as pathogenic.

NM_000059.4(BRCA2):c.658_659del (p.Val220fs)

Gene: BRCA2 (BRCA2 DNA repair associated; plus strand). Cytogenetic location: 13q13.1.
Variant type: Deletion.
Coding change: c.658_659del on transcript NM_000059.4 (MANE Select); coding-DNA positions 658 to 659, 2 bases deleted (GT; older notation c.658_659delGT).
Protein change: p.Val220fs; shifts the reading frame from valine 220.
Molecular consequence: frameshift variant.
Genome position (GRCh38, 1-based): chr13:32,329,469-32,329,470, GT deleted; deleting any 2 consecutive bases within chr13:32,329,468-32,329,470 gives the same sequence; the c. name uses the placement nearest the transcript's 3' end. VCF-style (leftmost placement, unchanged base first): chr13-32329467-CTG-C. GRCh37 (hg19) VCF-style: chr13-32903604-CTG-C.
Other names: 886_887delGT; 886delGT; c.657_658delTG (NM_000059.3); c.657_658del (NM_000059.3); c.658_659delGT (NM_000059.3).
Identifiers: ClinVar variation 9342 (VCV000009342.131), dbSNP rs80359604, ClinGen allele CA024188.